The following is an entry in ClinVar:

NM_001378778.1(MPDZ):c.4108C>T (p.Arg1370Ter)

Gene: MPDZ (multiple PDZ domain crumbs cell polarity complex component; minus strand). Cytogenetic location: 9p23.
Variant type: single nucleotide variant.
Coding change: c.4108C>T on transcript NM_001378778.1 (MANE Select); coding-DNA position 4108, C replaced by T.
Protein change: p.Arg1370Ter; replaces arginine 1370 with a stop codon.
Molecular consequence: nonsense.
Genome position (GRCh38, 1-based): chr9:13,138,049, G>A on the plus strand (C>T on the coding strand, the complement: MPDZ is on the minus strand). VCF-style: chr9-13138049-G-A. GRCh37 (hg19) VCF-style: chr9-13138048-G-A.
Other names: c.3898C>T, p.Arg1300Ter (NM_001375426.1, NM_001375420.1, NM_001375421.1 and 4 more transcripts); c.3700C>T, p.Arg1234Ter (NM_001375427.1); c.4108C>T, p.Arg1370Ter (NM_003829.5, NM_001330637.2, NM_001375413.1); c.4009C>T, p.Arg1337Ter (NM_001375419.1, NM_001261406.2, NM_001261407.2 and 3 more transcripts); short protein forms R1234*, R1370*, R1337*, R1300*.
Identifiers: ClinVar variation 4776908 (VCV004776908.1).

ClinVar aggregate classification (germline): Pathogenic (1 of 4 stars; one submission).

gnomAD v4.1: 10 of 1,613,750 alleles (0.00062%); highest among the groups gnomAD compares: Admixed American, 0.005%; no homozygotes.

Submission:

Labcorp Genetics (formerly Invitae), Labcorp
Classification: Pathogenic. Last evaluated: 2025-09-14. Review status: criteria provided, single submitter. Criteria: Invitae Variant Classification Sherloc (09022015). Collection method: clinical testing. Allele origin: germline.
Comment: This sequence change creates a premature translational stop signal (p.Arg1370*) in the MPDZ gene. It is expected to result in an absent or disrupted protein product. Loss-of-function variants in MPDZ are known to be pathogenic (PMID: 23240096, 28556411). This variant is present in population databases (rs192114602, gnomAD 0.005%). This variant has not been reported in the literature in individuals affected with MPDZ-related conditions. For these reasons, this variant has been classified as Pathogenic.

Literature cited by the submitters: PubMed 23240096; PubMed 28556411.